The following is an entry in ClinVar:

ClinVar aggregate classification (germline): Uncertain significance. Review status: criteria provided, multiple submitters, no conflicts (2 of 4 stars). 2 submissions from 2 submitters: Uncertain significance (2). Last evaluated 2025-03-25.

Conditions:
Immunodeficiency, common variable, 10. Also called: IMMUNODEFICIENCY, COMMON VARIABLE, WITH CENTRAL ADRENAL INSUFFICIENCY; DEFICIT IN ANTERIOR PITUITARY FUNCTION AND VARIABLE IMMUNODEFICIENCY. Identifiers: MedGen C3809991, MONDO:0014260, OMIM 615577.
Inborn genetic diseases. Identifiers: MedGen C0950123, MeSH D030342.

gnomAD v4.1: 1 of 1,605,952 alleles (0.000062%); highest among the groups gnomAD compares: Non-Finnish European, 0.000085%; no homozygotes.

Submissions (2):

Ambry Genetics
Classification: Uncertain significance for Inborn genetic diseases. Last evaluated: 2025-03-25. Review status: criteria provided, single submitter. Criteria: Ambry Variant Classification Scheme 2023. Collection method: clinical testing. Allele origin: germline.

Labcorp Genetics (formerly Invitae), Labcorp
Classification: Uncertain significance for Immunodeficiency, common variable, 10. Last evaluated: 2025-01-22. Review status: criteria provided, single submitter. Criteria: Invitae Variant Classification Sherloc (09022015). Collection method: clinical testing. Allele origin: germline.
Comment: This sequence change replaces leucine, which is neutral and non-polar, with arginine, which is basic and polar, at codon 9 of the NFKB2 protein (p.Leu9Arg). This variant is not present in population databases (gnomAD no frequency). This variant has not been reported in the literature in individuals affected with NFKB2-related conditions. An algorithm developed to predict the effect of missense changes on protein structure and function (PolyPhen-2) suggests that this variant is likely to be disruptive. In summary, the available evidence is currently insufficient to determine the role of this variant in disease. Therefore, it has been classified as a Variant of Uncertain Significance.

NM_001322934.2(NFKB2):c.26T>G (p.Leu9Arg)

Genes: NFKB2 (nuclear factor kappa B subunit 2; plus strand), LOC130004598 (ATAC-STARR-seq lymphoblastoid active region 3929; plus strand). Cytogenetic location: 10q24.32.
Variant type: single nucleotide variant.
Coding change: c.26T>G on transcript NM_001322934.2 (MANE Select); coding-DNA position 26, T replaced by G.
Protein change: p.Leu9Arg; replaces leucine 9 with arginine.
Molecular consequence: missense variant.
Genome position (GRCh38, 1-based): chr10:102,396,257, T>G. VCF-style: chr10-102396257-T-G. GRCh37 (hg19) VCF-style: chr10-104156014-T-G.
Other names: c.26T>G (NM_001077494.1); c.26T>G, p.Leu9Arg (NM_001261403.3, NM_001288724.1, NM_001322935.1 and 2 more transcripts); short protein forms L9R.
Identifiers: ClinVar variation 3683388 (VCV003683388.3).